The following is an entry in ClinVar:

ClinVar aggregate classification (germline): Uncertain significance (1 of 4 stars; one submission).

Allele frequency attached by ClinVar (database versions not stated): TOPMed 0.00002.
gnomAD v4.1: 3 of 1,614,190 alleles (0.00019%); highest among the groups gnomAD compares: East Asian, 0.0022%; no homozygotes.

Submission:

GeneDx
Classification: Uncertain significance. Last evaluated: 2017-01-15. Review status: criteria provided, single submitter. Criteria: GeneDx Variant Classification (06012015). Collection method: clinical testing. Allele origin: germline. Affected: yes.
Comment: A variant of uncertain significance has been identified in the SYNE1 gene. The R5591H variant has not been published as a pathogenic variant, nor has it been reported as a benign variant to our knowledge. The R5591H variant is not observed in large population cohorts (Lek et al., 2016; 1000 Genomes Consortium et al., 2015; Exome Variant Server). The R5591H variant is a conservative amino acid substitution, which is not likely to impact secondary protein structure as these residues share similar properties. However, this substitution occurs at a position that is conserved in mammals. In silico analysis is inconsistent in its predictions as to whether or not the variant is damaging to the protein structure/function. Therefore, based on the currently available information, it is unclear whether this variant is a pathogenic variant or a rare benign variant.

NM_182961.4(SYNE1):c.16985G>A (p.Arg5662His)

Genes: SYNE1 (spectrin repeat containing nuclear envelope protein 1; minus strand), LOC126859837 (BRD4-independent group 4 enhancer GRCh37_chr6:152630775-152631974; plus strand). Cytogenetic location: 6q25.2.
Variant type: single nucleotide variant.
Coding change: c.16985G>A on transcript NM_182961.4 (MANE Select); coding-DNA position 16985, G replaced by A.
Protein change: p.Arg5662His; replaces arginine 5662 with histidine.
Molecular consequence: missense variant.
Genome position (GRCh38, 1-based): chr6:152,310,430, C>T on the plus strand (G>A on the coding strand, the complement: SYNE1 is on the minus strand). VCF-style: chr6-152310430-C-T. GRCh37 (hg19) VCF-style: chr6-152631565-C-T.
Other names: c.16772G>A, p.Arg5591His (NM_033071.5); short protein forms R5591H, R5662H.
Identifiers: ClinVar variation 392591 (VCV000392591.2), dbSNP rs144895914, ClinGen allele CA16605052.
Genomic context (GRCh38, chr6:152,310,430, plus strand): 5'-ATTTACTCCAAGTTAGTTTGGCTTACCTGCCGATGAGAGAGCTGCTCCTTGAGACTGAGA[C>T]GTCCAACTTCTGGAGAAGTCAGTGTTGCCTGGGCTTGCTCCAAGGCAGCTTGTAACTTTT-3'
Protein context (NP_892006.3, residues 5652-5672): QATLTSPEVG[Arg5662His]LSLKEQLSHR